The following is an entry in ClinVar:

ClinVar aggregate classification (germline): Uncertain significance. Review status: criteria provided, multiple submitters, no conflicts (2 of 4 stars). 4 submissions from 4 submitters: Uncertain significance (4). Last evaluated 2026-01-13.

Conditions:
Erythrokeratodermia variabilis et progressiva 6. Identifiers: MedGen C5193144, MONDO:0032801, OMIM 618531.
Progressive familial heart block type IB (PFHB1B). Identifiers: Orphanet 871, MedGen C1970298, MONDO:0011474, OMIM 604559.
Cardiovascular phenotype. Identifiers: MedGen CN230736.

Allele frequency attached by ClinVar (database versions not stated): ExAC 0.00003; gnomAD exomes 0.00003 and 0.00004; gnomAD 0.00007; TOPMed 0.00013; 1000 Genomes Project 30x 0.00016; 1000 Genomes Project 0.00020.
gnomAD v4.1: 51 of 1,609,766 alleles (0.0032%); highest among the groups gnomAD compares: African/African-American, 0.02%; 1 homozygote.

Submissions (4):

Labcorp Genetics (formerly Invitae), Labcorp
Classification: Uncertain significance for Progressive familial heart block type IB. Last evaluated: 2026-01-13. Review status: criteria provided, single submitter. Criteria: Invitae Variant Classification Sherloc (09022015). Collection method: clinical testing. Allele origin: germline.
Comment: This sequence change replaces arginine, which is basic and polar, with histidine, which is basic and polar, at codon 139 of the TRPM4 protein (p.Arg139His). This variant is present in population databases (rs200360191, gnomAD 0.02%), including at least one homozygous and/or hemizygous individual. This missense change has been observed in individual(s) with clinical features of TRPM4-related conditions (PMID: 30847666, 38426305). ClinVar contains an entry for this variant (Variation ID: 1508983). An algorithm developed to predict the effect of missense changes on protein structure and function (PolyPhen-2) suggests that this variant is likely to be disruptive. In summary, the available evidence is currently insufficient to determine the role of this variant in disease. Therefore, it has been classified as a Variant of Uncertain Significance.

Ambry Genetics
Classification: Uncertain significance for Cardiovascular phenotype. Last evaluated: 2024-08-23. Review status: criteria provided, single submitter. Criteria: Ambry Variant Classification Scheme 2023. Collection method: clinical testing. Allele origin: germline.
Comment: The p.R139H variant (also known as c.416G>A), located in coding exon 4 of the TRPM4 gene, results from a G to A substitution at nucleotide position 416. The arginine at codon 139 is replaced by histidine, an amino acid with highly similar properties. This variant was detected in an arrhythmia genetic testing cohort; however, clinical details were limited (van Lint FHM et al. Neth Heart J, 2019 Jun;27:304-309). This amino acid position is well conserved in available vertebrate species. In addition, this alteration is predicted to be tolerated by in silico analysis. Since supporting evidence is limited at this time, the clinical significance of this alteration remains unclear.

GeneDx
Classification: Uncertain significance. Last evaluated: 2024-03-14. Review status: criteria provided, single submitter. Criteria: GeneDx Variant Classification Process June 2021. Collection method: clinical testing. Allele origin: germline. Affected: yes.
Comment: Identified in a patient with an unspecified arrhythmia in published literature (PMID: 30847666); In silico analysis supports that this missense variant has a deleterious effect on protein structure/function; This variant is associated with the following publications: (PMID: 29420653, 30847666)

Fulgent Genetics
Classification: Uncertain significance for Progressive familial heart block type IB; Erythrokeratodermia variabilis et progressiva 6. Last evaluated: 2021-10-15. Review status: criteria provided, single submitter. Criteria: ACMG Guidelines, 2015. Collection method: clinical testing. Allele origin: unknown.

Literature cited by the submitters: PubMed 30847666 (cited by Labcorp Genetics (formerly Invitae), Labcorp and Ambry Genetics); PubMed 38426305 (cited by Labcorp Genetics (formerly Invitae), Labcorp).

NM_017636.4(TRPM4):c.416G>A (p.Arg139His)

Gene: TRPM4 (transient receptor potential cation channel subfamily M member 4; plus strand). Cytogenetic location: 19q13.33.
Variant type: single nucleotide variant.
Coding change: c.416G>A on transcript NM_017636.4 (MANE Select); coding-DNA position 416, G replaced by A.
Protein change: p.Arg139His; replaces arginine 139 with histidine.
Molecular consequence: missense variant. On other transcripts: intron variant (4).
Genome position (GRCh38, 1-based): chr19:49,168,065, G>A. VCF-style: chr19-49168065-G-A. GRCh37 (hg19) VCF-style: chr19-49671322-G-A.
Other names: c.416G>A, p.Arg139His (NM_001195227.2); c.-1105-195G>A (NM_001321282.2); c.268-488G>A (NM_001321281.2); c.-74-195G>A (NM_001321283.2); c.-237-488G>A (NM_001321285.2); short protein forms R139H.
Identifiers: ClinVar variation 1508983 (VCV001508983.11), dbSNP rs200360191, ClinGen allele CA9568809.